The following is an entry in ClinVar:

ClinVar aggregate classification (germline): Uncertain significance (1 of 4 stars; one submission).

gnomAD v4.1: 5 of 1,613,674 alleles (0.00031%); highest among the groups gnomAD compares: African/African-American, 0.0067%; no homozygotes.

Submission:

Labcorp Genetics (formerly Invitae), Labcorp
Classification: Uncertain significance. Last evaluated: 2022-06-20. Review status: criteria provided, single submitter. Criteria: Invitae Variant Classification Sherloc (09022015). Collection method: clinical testing. Allele origin: germline.
Comment: This sequence change replaces histidine, which is basic and polar, with arginine, which is basic and polar, at codon 567 of the COL4A4 protein (p.His567Arg). In summary, the available evidence is currently insufficient to determine the role of this variant in disease. Therefore, it has been classified as a Variant of Uncertain Significance. Advanced modeling of protein sequence and biophysical properties (such as structural, functional, and spatial information, amino acid conservation, physicochemical variation, residue mobility, and thermodynamic stability) performed at Invitae indicates that this missense variant is not expected to disrupt COL4A4 protein function. This variant has not been reported in the literature in individuals affected with COL4A4-related conditions. This variant is not present in population databases (gnomAD no frequency).

NM_000092.5(COL4A4):c.1700A>G (p.His567Arg)

Gene: COL4A4 (collagen type IV alpha 4 chain; minus strand). Cytogenetic location: 2q36.3.
Variant type: single nucleotide variant.
Coding change: c.1700A>G on transcript NM_000092.5 (MANE Select); coding-DNA position 1700, A replaced by G.
Protein change: p.His567Arg; replaces histidine 567 with arginine.
Molecular consequence: missense variant.
Genome position (GRCh38, 1-based): chr2:227,080,546, T>C on the plus strand (A>G on the coding strand, the complement: COL4A4 is on the minus strand). VCF-style: chr2-227080546-T-C. GRCh37 (hg19) VCF-style: chr2-227945262-T-C.
Other names: short protein forms H567R.
Identifiers: ClinVar variation 1513805 (VCV001513805.8), dbSNP rs2150506568, ClinGen allele CA350847365.